The following is an entry in ClinVar:

ClinVar aggregate classification (germline): Uncertain significance (1 of 4 stars; one submission).

gnomAD v4.1: 8 of 1,614,224 alleles (0.0005%); highest among the groups gnomAD compares: Non-Finnish European, 0.00068%; no homozygotes.

Submission:

GeneDx
Classification: Uncertain significance. Last evaluated: 2022-08-09. Review status: criteria provided, single submitter. Criteria: GeneDx Variant Classification Process June 2021. Collection method: clinical testing. Allele origin: germline. Affected: yes.
Comment: Not observed at significant frequency in large population cohorts (gnomAD); In silico analysis supports that this missense variant does not alter protein structure/function; Has not been previously published as pathogenic or benign to our knowledge

NM_004415.4(DSP):c.311G>T (p.Ser104Ile)

Gene: DSP (desmoplakin; plus strand). Cytogenetic location: 6p24.3.
Variant type: single nucleotide variant.
Coding change: c.311G>T on transcript NM_004415.4 (MANE Select); coding-DNA position 311, G replaced by T.
Protein change: p.Ser104Ile; replaces serine 104 with isoleucine.
Molecular consequence: missense variant.
Genome position (GRCh38, 1-based): chr6:7,558,153, G>T. VCF-style: chr6-7558153-G-T. GRCh37 (hg19) VCF-style: chr6-7558386-G-T.
Other names: c.311G>T, p.Ser104Ile (NM_001008844.3, NM_001319034.2, NM_001406591.1); short protein forms S104I.
Identifiers: ClinVar variation 2429586 (VCV002429586.1), dbSNP rs2533849058, ClinGen allele CA362671172.